The following is an entry in ClinVar:

NM_000138.5(FBN1):c.1011C>A (p.Tyr337Ter)

Genes: FBN1 (fibrillin 1; minus strand), LOC113939944 (Sharpr-MPRA regulatory region 9539; plus strand). Cytogenetic location: 15q21.1.
Variant type: single nucleotide variant.
Coding change: c.1011C>A on transcript NM_000138.5 (MANE Select); coding-DNA position 1011, C replaced by A.
Protein change: p.Tyr337Ter; replaces tyrosine 337 with a stop codon.
Molecular consequence: nonsense.
Genome position (GRCh38, 1-based): chr15:48,520,795, G>T on the plus strand (C>A on the coding strand, the complement: FBN1 is on the minus strand). VCF-style: chr15-48520795-G-T. GRCh37 (hg19) VCF-style: chr15-48812992-G-T.
Other names: short protein forms Y337*.
Identifiers: ClinVar variation 379590 (VCV000379590.13), dbSNP rs1057520656, ClinGen allele CA16607110.

ClinVar aggregate classification (germline): Pathogenic/Likely pathogenic. Review status: criteria provided, multiple submitters, no conflicts (2 of 4 stars). 3 submissions from 3 submitters: Pathogenic (2); Likely pathogenic (1). Last evaluated 2020-11-13.

Conditions:
Marfan syndrome (MFS). Also called: Marfan syndrome, classic; Marfan syndrome type 1; Marfan's syndrome; MARFAN SYNDROME, TYPE I; FBN1-Related Marfan Syndrome. Identifiers: Orphanet 284963, Orphanet 558, MedGen C0024796, MONDO:0007947, OMIM 154700.
Familial thoracic aortic aneurysm and aortic dissection (TAAD). Also called: Thoracic aortic aneurysms and dissections. Identifiers: Orphanet 91387, MedGen C4707243, MONDO:0019625.
FBN1-related disorder. Also called: FBN1-related disorders.

Submissions (3):

Labcorp Genetics (formerly Invitae), Labcorp
Classification: Pathogenic for Marfan syndrome; Familial thoracic aortic aneurysm and aortic dissection. Last evaluated: 2020-11-13. Review status: criteria provided, single submitter. Criteria: Invitae Variant Classification Sherloc (09022015). Collection method: clinical testing. Allele origin: germline.
Comment: This sequence change creates a premature translational stop signal (p.Tyr337*) in the FBN1 gene. It is expected to result in an absent or disrupted protein product. Loss-of-function variants in FBN1 are known to be pathogenic (PMID: 17657824, 19293843). This variant is not present in population databases (ExAC no frequency). This variant has been observed in individual(s) with clinical features of Marfan syndrome (PMID: 19863550, Invitae). ClinVar contains an entry for this variant (Variation ID: 379590). For these reasons, this variant has been classified as Pathogenic.

Blueprint Genetics
Classification: Likely pathogenic for FBN1-related disorders. Last evaluated: 2019-12-03. Review status: criteria provided, single submitter. Criteria: ACMG Guidelines, 2015. Collection method: clinical testing. Allele origin: germline. Affected: yes. Observed: 1 variant allele.

GeneDx
Classification: Pathogenic. Last evaluated: 2019-10-03. Review status: criteria provided, single submitter. Criteria: GeneDx Variant Classification Process June 2021. Collection method: clinical testing. Allele origin: germline. Affected: yes.
Comment: Not observed in large population cohorts (Lek et al., 2016); Nonsense variant predicted to result in protein truncation or nonsense mediated decay in a gene for which loss-of-function is a known mechanism of disease; This variant is associated with the following publications: (PMID: 25525159, 19863550)

Literature cited by the submitters: PubMed 17657824 (cited by Labcorp Genetics (formerly Invitae), Labcorp); PubMed 19293843 (cited by Labcorp Genetics (formerly Invitae), Labcorp); PubMed 19863550 (cited by Labcorp Genetics (formerly Invitae), Labcorp).